The following is an entry in ClinVar:

ClinVar aggregate classification (germline): Likely benign (1 of 4 stars; one submission).

Allele frequency attached by ClinVar (database versions not stated): ExAC 0.00001; gnomAD 0.00002; TOPMed 0.00003; gnomAD exomes below 0.00001.
gnomAD v4.1: 9 of 1,614,072 alleles (0.00056%); highest among the groups gnomAD compares: Middle Eastern, 0.016%; no homozygotes.

Submission:

CeGaT Center for Human Genetics Tuebingen
Classification: Likely benign. Last evaluated: 2023-02-01. Review status: criteria provided, single submitter. Criteria: CeGaT Center For Human Genetics Tuebingen Variant Classification Criteria Version 2. Collection method: clinical testing. Allele origin: germline. Affected: yes. Observed: 1 variant allele.
Comment: SLIT3: BP4, BP7

NM_003062.4(SLIT3):c.2805T>C (p.Pro935=)

Genes: SLIT3 (slit guidance ligand 3; minus strand), SLIT3-AS2 (SLIT3 antisense RNA 2; plus strand). Cytogenetic location: 5q34.
Variant type: single nucleotide variant.
Coding change: c.2805T>C on transcript NM_003062.4 (MANE Select); coding-DNA position 2805, T replaced by C.
Protein change: p.Pro935=; no amino-acid change (proline 935 retained).
Molecular consequence: synonymous variant.
Genome position (GRCh38, 1-based): chr5:168,708,015, A>G on the plus strand (T>C on the coding strand, the complement: SLIT3 is on the minus strand). VCF-style: chr5-168708015-A-G. GRCh37 (hg19) VCF-style: chr5-168135020-A-G.
Other names: c.2826T>C, p.Pro942= (NM_001271946.2).
Identifiers: ClinVar variation 2656054 (VCV002656054.24), dbSNP rs764682671, ClinGen allele CA3551148.